The following is an entry in ClinVar:

ClinVar aggregate classification (germline): Uncertain significance. Review status: criteria provided, multiple submitters, no conflicts (2 of 4 stars). 2 submissions from 2 submitters: Uncertain significance (2). Last evaluated 2023-05-10.

Allele frequency attached by ClinVar (database versions not stated): gnomAD 0.00029; TOPMed 0.00029; ESP Exome Variant Server 0.00031; gnomAD exomes 0.00031; ExAC 0.00038.
gnomAD v4.1: 502 of 1,596,842 alleles (0.031%); highest among the groups gnomAD compares: Middle Eastern, 0.22%; no homozygotes.

Submissions (2):

GeneDx
Classification: Uncertain significance. Last evaluated: 2023-05-10. Review status: criteria provided, single submitter. Criteria: GeneDx Variant Classification Process June 2021. Collection method: clinical testing. Allele origin: germline. Affected: yes.
Comment: In silico analysis supports that this missense variant does not alter protein structure/function; Has not been previously published as pathogenic or benign to our knowledge

Labcorp Genetics (formerly Invitae), Labcorp
Classification: Uncertain significance. Last evaluated: 2022-07-30. Review status: criteria provided, single submitter. Criteria: Invitae Variant Classification Sherloc (09022015). Collection method: clinical testing. Allele origin: germline.
Comment: This sequence change replaces asparagine, which is neutral and polar, with serine, which is neutral and polar, at codon 754 of the SNX14 protein (p.Asn754Ser). This variant is present in population databases (rs138417324, gnomAD 0.09%). This variant has not been reported in the literature in individuals affected with SNX14-related conditions. Algorithms developed to predict the effect of missense changes on protein structure and function (SIFT, PolyPhen-2, Align-GVGD) all suggest that this variant is likely to be tolerated. In summary, the available evidence is currently insufficient to determine the role of this variant in disease. Therefore, it has been classified as a Variant of Uncertain Significance.

NM_153816.6(SNX14):c.2261A>G (p.Asn754Ser)

Gene: SNX14 (sorting nexin 14; minus strand). Cytogenetic location: 6q14.3.
Variant type: single nucleotide variant.
Coding change: c.2261A>G on transcript NM_153816.6 (MANE Select); coding-DNA position 2261, A replaced by G.
Protein change: p.Asn754Ser; replaces asparagine 754 with serine.
Molecular consequence: missense variant. On other transcripts: non-coding transcript variant (6).
Genome position (GRCh38, 1-based): chr6:85,517,763, T>C on the plus strand (A>G on the coding strand, the complement: SNX14 is on the minus strand). VCF-style: chr6-85517763-T-C. GRCh37 (hg19) VCF-style: chr6-86227481-T-C.
Other names: c.2234A>G, p.Asn745Ser (NM_001297614.3, NM_001350541.2); c.2105A>G, p.Asn702Ser (NM_001304479.2); c.2324A>G, p.Asn775Ser (NM_001350532.2); c.2258A>G, p.Asn753Ser (NM_001350533.2, NM_001350535.2); c.2231A>G, p.Asn744Ser (NM_001350534.2); c.2129A>G, p.Asn710Ser (NM_001350536.2); c.2126A>G, p.Asn709Ser (NM_001350537.2); c.2117A>G, p.Asn706Ser (NM_001350538.2); and 9 more; short protein forms N360S, N657S, N658S, N702S, N709S, N754S, N710S, N744S.
Identifiers: ClinVar variation 2068333 (VCV002068333.2), dbSNP rs138417324, ClinGen allele CA3911918.
Genomic context (GRCh38, chr6:85,517,763, plus strand): 5'-TCTCAAGTAGGGCAACTTAAAACTTAATAGTTCTTTAATGCAATGTGCAGTACCTTCTTG[T>C]TGTTTTCTGAAGTAGGGCTGAGAATGGTCAGTTCTGGTCTACTTGGTTTAGGCTTTGGAG-3'
Protein context (NP_722523.1, residues 744-764): LTILSPTSEN[Asn754Ser]KKLFNDLFKN